The following is an entry in ClinVar:

ClinVar aggregate classification (germline): Pathogenic/Likely pathogenic. Review status: criteria provided, multiple submitters, no conflicts (2 of 4 stars). 2 submissions from 2 submitters: Pathogenic (1); Likely pathogenic (1). Last evaluated 2025-04-17.

Conditions:
Deficiency of hyaluronoglucosaminidase (MPS9). Also called: Mucopolysaccharidosis type 9; HYALURONIDASE DEFICIENCY; MPS IX. Identifiers: Orphanet 67041, MedGen C1291490, MONDO:0011093, OMIM 601492.

Submissions (2):

Labcorp Genetics (formerly Invitae), Labcorp
Classification: Pathogenic for Deficiency of hyaluronoglucosaminidase. Last evaluated: 2025-04-17. Review status: criteria provided, single submitter. Criteria: Invitae Variant Classification Sherloc (09022015). Collection method: clinical testing. Allele origin: germline.
Comment: This sequence change creates a premature translational stop signal (p.Tyr291*) in the HYAL1 gene. It is expected to result in an absent or disrupted protein product. Loss-of-function variants in HYAL1 are known to be pathogenic (PMID: 10339581, 21559944). This variant is not present in population databases (gnomAD no frequency). This variant has not been reported in the literature in individuals affected with HYAL1-related conditions. ClinVar contains an entry for this variant (Variation ID: 3589452). For these reasons, this variant has been classified as Pathogenic.

Fulgent Genetics
Classification: Likely pathogenic for Deficiency of hyaluronoglucosaminidase. Last evaluated: 2024-05-28. Review status: criteria provided, single submitter. Criteria: ACMG Guidelines, 2015. Collection method: clinical testing. Allele origin: germline.

Literature cited by the submitters: PubMed 10339581 (cited by Labcorp Genetics (formerly Invitae), Labcorp); PubMed 21559944 (cited by Labcorp Genetics (formerly Invitae), Labcorp).

NM_033159.4(HYAL1):c.872_873del (p.Phe290_Tyr291insTer)

Gene: HYAL1 (hyaluronidase 1; minus strand). Cytogenetic location: 3p21.31.
Variant type: Deletion.
Coding change: c.872_873del on transcript NM_033159.4 (MANE Select); coding-DNA positions 872 to 873, 2 bases deleted (AT; older notation c.872_873delAT).
Protein change: p.Phe290_Tyr291insTer.
Molecular consequence: nonsense. On other transcripts: non-coding transcript variant (1).
Genome position (GRCh38, 1-based): chr3:50,302,084-50,302,085, AT deleted on the plus strand (AT on the coding strand, the reverse complement: HYAL1 is on the minus strand); deleting any 2 consecutive bases within chr3:50,302,084-50,302,086 gives the same sequence; the c. name uses the placement nearest the transcript's 3' end. VCF-style (leftmost placement, unchanged base first): chr3-50302083-CAT-C. GRCh37 (hg19) VCF-style: chr3-50339514-CAT-C.
Other names: c.872_873del (NM_153281.1); c.872_873del, p.Phe290_Tyr291insTer (NM_153281.2, NM_153282.3); c.326_327del, p.Phe108_Tyr109insTer (NM_153283.3); c.95_96del, p.Phe31_Tyr32insTer (NM_153285.3).
Identifiers: ClinVar variation 3589452 (VCV003589452.2).